The following is an entry in ClinVar:

NM_004736.4(XPR1):c.2012G>A (p.Arg671Gln)

Gene: XPR1 (xenotropic and polytropic retrovirus receptor 1; plus strand). Cytogenetic location: 1q25.3.
Variant type: single nucleotide variant.
Coding change: c.2012G>A on transcript NM_004736.4 (MANE Select); coding-DNA position 2012, G replaced by A.
Protein change: p.Arg671Gln; replaces arginine 671 with glutamine.
Molecular consequence: missense variant. On other transcripts: non-coding transcript variant (1).
Genome position (GRCh38, 1-based): chr1:180,880,279, G>A. VCF-style: chr1-180880279-G-A. GRCh37 (hg19) VCF-style: chr1-180849415-G-A.
Other names: c.1817G>A, p.Arg606Gln (NM_001135669.2); short protein forms R671Q, R606Q.
Identifiers: ClinVar variation 3333512 (VCV003333512.3).

ClinVar aggregate classification (germline): Uncertain significance. Review status: criteria provided, multiple submitters, no conflicts (2 of 4 stars). 2 submissions from 2 submitters: Uncertain significance (2). Last evaluated 2025-09-29.

Conditions:
Inborn genetic diseases. Identifiers: MedGen C0950123, MeSH D030342.

gnomAD v4.1: 52 of 1,614,030 alleles (0.0032%); highest among the groups gnomAD compares: Middle Eastern, 0.033%; no homozygotes.

Submissions (2):

Labcorp Genetics (formerly Invitae), Labcorp
Classification: Uncertain significance. Last evaluated: 2025-09-29. Review status: criteria provided, single submitter. Criteria: Invitae Variant Classification Sherloc (09022015). Collection method: clinical testing. Allele origin: germline.
Comment: This sequence change replaces arginine, which is basic and polar, with glutamine, which is neutral and polar, at codon 671 of the XPR1 protein (p.Arg671Gln). This variant is present in population databases (rs368180888, gnomAD 0.01%). This variant has not been reported in the literature in individuals affected with XPR1-related conditions. ClinVar contains an entry for this variant (Variation ID: 3333512). An algorithm developed to predict the effect of missense changes on protein structure and function (PolyPhen-2) suggests that this variant is likely to be tolerated. In summary, the available evidence is currently insufficient to determine the role of this variant in disease. Therefore, it has been classified as a Variant of Uncertain Significance.

Ambry Genetics
Classification: Uncertain significance for Inborn genetic diseases. Last evaluated: 2024-03-19. Review status: criteria provided, single submitter. Criteria: Ambry Variant Classification Scheme 2023. Collection method: clinical testing. Allele origin: germline.